The following is an entry in ClinVar:

NM_000186.4(CFH):c.172T>G (p.Ser58Ala)

Gene: CFH (complement factor H; plus strand). Cytogenetic location: 1q31.3.
Variant type: single nucleotide variant.
Coding change: c.172T>G on transcript NM_000186.4 (MANE Select); coding-DNA position 172, T replaced by G.
Protein change: p.Ser58Ala; replaces serine 58 with alanine.
Molecular consequence: missense variant.
Genome position (GRCh38, 1-based): chr1:196,673,091, T>G. VCF-style: chr1-196673091-T-G. GRCh37 (hg19) VCF-style: chr1-196642221-T-G.
Other names: p.Ser58Ala; c.172T>G, p.Ser58Ala (NM_001014975.3); short protein forms S58A.
Identifiers: ClinVar variation 874052 (VCV000874052.21), dbSNP rs141336681, ClinGen allele CA1304959.

ClinVar aggregate classification (germline): Conflicting classifications of pathogenicity. Review status: criteria provided, conflicting classifications (1 of 4 stars). 12 submissions from 9 submitters: Uncertain significance (9); Benign (1). 2 of the submissions do not count toward it. Last evaluated 2026-09-17.

Conditions:
Basal laminar drusen. Also called: DRUSEN OF BRUCH MEMBRANE; DRUSEN, CUTICULAR; DRUSEN, EARLY ADULT-ONSET, GROUPED. Identifiers: Orphanet 75376, MedGen C0730295, MONDO:0007472, OMIM 126700.
Age related macular degeneration 4. Identifiers: MedGen C1853147, MONDO:0012540, OMIM 610698.
Factor H deficiency (CFHD). Also called: CFH DEFICIENCY; COMPLEMENT FACTOR H DEFICIENCY. Identifiers: Orphanet 200421, MedGen C0398777, MONDO:0012350, OMIM 609814.
Hemolytic uremic syndrome, atypical, susceptibility to, 1. Also called: AHUS, SUSCEPTIBILITY TO, 1. Identifiers: Orphanet 2134, Orphanet 90038, MedGen C2749604, MONDO:0009335, OMIM 235400. Disease mechanism: Other.
Atypical hemolytic-uremic syndrome. Identifiers: Orphanet 2134, MedGen C2931788, MONDO:0016244.
CFH-Related Dense Deposit Disease / Membranoproliferative Glomerulonephritis Type II. Identifiers: MedGen CN071292.

Allele frequency attached by ClinVar (database versions not stated): ExAC 0.00014; ESP Exome Variant Server 0.00015; 1000 Genomes Project 30x 0.00016; 1000 Genomes Project 0.00020; gnomAD exomes 0.00027 and 0.00037; TOPMed 0.00038; gnomAD 0.00047.
gnomAD v4.1: 601 of 1,614,012 alleles (0.037%); highest among the groups gnomAD compares: Admixed American, 0.097%; no homozygotes.

Submissions (12):

Genomenon, Inc
Classification: Uncertain significance for Age related macular degeneration 4; Atypical hemolytic-uremic syndrome. Last evaluated: 2026-09-17. Review status: criteria provided, single submitter. Criteria: Genomenon Sequence Variant Interpretation Standards - Updated. Collection method: curation. Allele origin: germline. Affected: yes.
Comment: CFH p.Ser58Ala (c.172T>G) is a missense variant that changes the amino acid at codon 58 from serine to alanine. This variant has been observed in at least one proband affected with a CFH-related disorder (PMID: 26501415; 28941939; 29888403). Functional studies have been reported (PMID: 28941939; 36445700; 34508573). In silico models predict that this variant is not damaging. In conclusion, we classify CFH p.Ser58Ala (c.172T>G) as a variant of uncertain significance.

Labcorp Genetics (formerly Invitae), Labcorp
Classification: Uncertain significance. Last evaluated: 2026-01-27. Review status: criteria provided, single submitter. Criteria: Invitae Variant Classification Sherloc (09022015). Collection method: clinical testing. Allele origin: germline.
Comment: This sequence change replaces serine, which is neutral and polar, with alanine, which is neutral and non-polar, at codon 58 of the CFH protein (p.Ser58Ala). This variant is present in population databases (rs141336681, gnomAD 0.06%). This missense change has been observed in individual(s) with CFH-related conditions (PMID: 26501415, 27718086, 28941939). ClinVar contains an entry for this variant (Variation ID: 874052). An algorithm developed to predict the effect of missense changes on protein structure and function (PolyPhen-2) suggests that this variant is likely to be tolerated. Experimental studies have shown that this missense change affects CFH function (PMID: 28941939). In summary, the available evidence is currently insufficient to determine the role of this variant in disease. Therefore, it has been classified as a Variant of Uncertain Significance.

Blueprint Genetics
Classification: Uncertain significance. Last evaluated: 2024-11-06. Review status: criteria provided, single submitter. Criteria: ACMG Guidelines, 2015. Collection method: clinical testing. Allele origin: germline.

Women's Health and Genetics/Laboratory Corporation of America, LabCorp
Classification: Uncertain significance. Last evaluated: 2024-09-25. Review status: criteria provided, single submitter. Criteria: LabCorp Variant Classification Summary - May 2015. Collection method: clinical testing. Allele origin: germline.
Comment: Variant summary: CFH c.172T>G (p.Ser58Ala) results in a conservative amino acid change located in the Sushi/SCR/CCP domain (IPR000436) of the encoded protein sequence. Five of five in-silico tools predict a benign effect of the variant on protein function. The variant allele was found at a frequency of 0.00027 in 250852 control chromosomes. This frequency is not significantly higher than estimated for a pathogenic variant in CFH causing CFH-Related Disorders, allowing no conclusion about variant significance. c.172T>G has been reported in the literature in individuals affected with Atypical Hemolytic Uremic Syndrome or Age-related Macular Degeneration (e.g. Westra_2017, Merinero_2018, Osborne_2018, Triebwasser_2015, de Jong_2022, Lores-Motta_2021, Geerlings_2018). These data do not allow any conclusion about variant significance. Two publications report experimental evidence evaluating an impact on protein function, however, the results from these studies are conflicting (Merinero_2018, Biggs_2022). The following publications have been ascertained in the context of this evaluation (PMID: 36445700, 29888403, 34260947, 28941939, 29500241, 26501415, 27718086, 34508573). ClinVar contains an entry for this variant (Variation ID: 874052). Based on the evidence outlined above, the variant was classified as uncertain significance.

Fulgent Genetics
Classification: Uncertain significance for Basal laminar drusen; Hemolytic uremic syndrome, atypical, susceptibility to, 1; Factor H deficiency; Age related macular degeneration 4. Last evaluated: 2024-02-26. Review status: criteria provided, single submitter. Criteria: ACMG Guidelines, 2015. Collection method: clinical testing. Allele origin: germline.

Mayo Clinic Laboratories, Mayo Clinic
Classification: Uncertain significance. Last evaluated: 2021-06-02. Review status: criteria provided, single submitter. Criteria: ACMG Guidelines, 2015. Collection method: clinical testing. Allele origin: germline.

Illumina Laboratory Services, Illumina
Classification: Uncertain significance for Basal laminar drusen. Last evaluated: 2018-01-13. Review status: criteria provided, single submitter. Criteria: ICSL Variant Classification Criteria 13 December 2019. Collection method: clinical testing. Allele origin: germline.

Illumina Laboratory Services, Illumina
Classification: Uncertain significance for Membranoproliferative glomerulonephritis with complement factor h deficiency. Last evaluated: 2018-01-13. Review status: criteria provided, single submitter. Criteria: ICSL Variant Classification Criteria 13 December 2019. Collection method: clinical testing. Allele origin: germline.

Illumina Laboratory Services, Illumina
Classification: Benign for Hemolytic uremic syndrome, atypical, susceptibility to, 1. Last evaluated: 2018-01-13. Review status: criteria provided, single submitter. Criteria: ICSL Variant Classification Criteria 13 December 2019. Collection method: clinical testing. Allele origin: germline.
Comment: This variant was observed in the ICSL laboratory as part of a predisposition screen in an ostensibly healthy population. It had not been previously curated by ICSL or reported in the Human Gene Mutation Database (HGMD: prior to June 1st, 2018), and was therefore a candidate for classification through an automated scoring system. Utilizing variant allele frequency, disease prevalence and penetrance estimates, and inheritance mode, an automated score was calculated to assess if this variant is too frequent to cause the disease. Based on the score and internal cut-off values, a variant classified as benign is not then subjected to further curation. The score for this variant resulted in a classification of benign for this disease.

Illumina Laboratory Services, Illumina
Classification: Uncertain significance for Age related macular degeneration 4. Last evaluated: 2018-01-13. Review status: criteria provided, single submitter. Criteria: ICSL Variant Classification Criteria 13 December 2019. Collection method: clinical testing. Allele origin: germline.

Clinical Genetics DNA and cytogenetics Diagnostics Lab, Erasmus MC, Erasmus Medical Center
Classification: Uncertain significance. Review status: no assertion criteria provided. Collection method: clinical testing. Allele origin: germline. Affected: yes. Study: VKGL Data-share Consensus. Not counted in ClinVar's aggregate classification.

Joint Genome Diagnostic Labs from Nijmegen and Maastricht, Radboudumc and MUMC+
Classification: Uncertain significance. Review status: no assertion criteria provided. Collection method: clinical testing. Allele origin: germline. Affected: yes. Study: VKGL Data-share Consensus. Not counted in ClinVar's aggregate classification.

Literature cited by the submitters: PubMed 26501415 (cited by 3 submitters); PubMed 28941939 (cited by 3 submitters); PubMed 29888403 (cited by Genomenon, Inc and Women's Health and Genetics/Laboratory Corporation of America, LabCorp); PubMed 36445700 (cited by Genomenon, Inc and Women's Health and Genetics/Laboratory Corporation of America, LabCorp); PubMed 34508573 (cited by Genomenon, Inc and Women's Health and Genetics/Laboratory Corporation of America, LabCorp); PubMed 27718086 (cited by Labcorp Genetics (formerly Invitae), Labcorp and Women's Health and Genetics/Laboratory Corporation of America, LabCorp); PubMed 34260947 (cited by Women's Health and Genetics/Laboratory Corporation of America, LabCorp); PubMed 29500241 (cited by Women's Health and Genetics/Laboratory Corporation of America, LabCorp).